The following is an entry in ClinVar:

ClinVar aggregate classification (germline): Uncertain significance (1 of 4 stars; one submission).

Conditions:
Hereditary breast ovarian cancer syndrome. Also called: Hereditary breast and ovarian cancer syndrome (HBOC); BRCA1- and BRCA2-Associated Hereditary Breast and Ovarian Cancer; Hereditary breast and ovarian cancer syndrome; Breast and ovarian cancer; Hereditary breast and ovarian cancer; Hereditary breast and/or ovarian cancer syndrome. Identifiers: Orphanet 145, MedGen C0677776, MeSH D061325, MONDO:0003582. Disease mechanism: loss of function.

Submission:

Labcorp Genetics (formerly Invitae), Labcorp
Classification: Uncertain significance for Hereditary breast ovarian cancer syndrome. Last evaluated: 2017-09-24. Review status: criteria provided, single submitter. Criteria: Invitae Variant Classification Sherloc (09022015). Collection method: clinical testing. Allele origin: germline.
Comment: In summary, the available evidence is currently insufficient to determine the role of this variant in disease. Therefore, it has been classified as a Variant of Uncertain Significance. This variant has not been reported in the literature in individuals with BRCA2-related disease. This sequence change replaces alanine with valine at codon 2770 of the BRCA2 protein (p.Ala2770Val). The alanine residue is highly conserved and there is a small physicochemical difference between alanine and valine. This variant is not present in population databases (ExAC no frequency). Algorithms developed to predict the effect of missense changes on protein structure and function do not agree on the potential impact of this missense change (SIFT: "Tolerated"; PolyPhen-2: "Probably Damaging"; Align-GVGD: "Class C0").

NM_000059.4(BRCA2):c.8309C>T (p.Ala2770Val)

Gene: BRCA2 (BRCA2 DNA repair associated; plus strand). Cytogenetic location: 13q13.1.
Variant type: single nucleotide variant.
Coding change: c.8309C>T on transcript NM_000059.4 (MANE Select); coding-DNA position 8309, C replaced by T.
Protein change: p.Ala2770Val; replaces alanine 2770 with valine.
Molecular consequence: missense variant.
Genome position (GRCh38, 1-based): chr13:32,363,511, C>T. VCF-style: chr13-32363511-C-T. GRCh37 (hg19) VCF-style: chr13-32937648-C-T.
Other names: short protein forms A2770V.
Identifiers: ClinVar variation 531376 (VCV000531376.9), dbSNP rs28897750, ClinGen allele CA387750209.